The following is an entry in ClinVar:

ClinVar aggregate classification (germline): Conflicting classifications of pathogenicity. Review status: criteria provided, conflicting classifications (1 of 4 stars). 2 submissions from 2 submitters: Uncertain significance (1); Likely benign (1). Last evaluated 2026-07-07.

Conditions:
Hereditary cancer-predisposing syndrome. Also called: Hereditary Cancer Syndrome; Neoplastic Syndromes, Hereditary; Hereditary neoplastic syndrome; Tumor predisposition. Identifiers: Orphanet 140162, MedGen C0027672, MeSH D009386, MONDO:0015356.
Hereditary diffuse gastric adenocarcinoma (HDGC). Also called: DIFFUSE GASTRIC AND LOBULAR BREAST CANCER SYNDROME. Identifiers: Orphanet 26106, MedGen C1708349, MONDO:0007648, OMIM 137215.

Submissions (2):

Ambry Genetics
Classification: Likely benign for Hereditary cancer-predisposing syndrome. Last evaluated: 2026-07-07. Review status: criteria provided, single submitter. Criteria: Ambry Variant Classification Scheme 2023. Collection method: clinical testing. Allele origin: germline.

Labcorp Genetics (formerly Invitae), Labcorp
Classification: Uncertain significance for Hereditary diffuse gastric adenocarcinoma. Last evaluated: 2023-09-10. Review status: criteria provided, single submitter. Criteria: Invitae Variant Classification Sherloc (09022015). Collection method: clinical testing. Allele origin: germline.
Comment: In summary, the available evidence is currently insufficient to determine the role of this variant in disease. Therefore, it has been classified as a Variant of Uncertain Significance. An algorithm developed to predict the effect of missense changes on protein structure and function (PolyPhen-2) suggests that this variant is likely to be tolerated. ClinVar contains an entry for this variant (Variation ID: 1366375). This variant has not been reported in the literature in individuals affected with CDH1-related conditions. This variant is not present in population databases (gnomAD no frequency). This sequence change replaces histidine, which is basic and polar, with leucine, which is neutral and non-polar, at codon 29 of the CDH1 protein (p.His29Leu).

NM_004360.5(CDH1):c.86A>T (p.His29Leu)

Gene: CDH1 (cadherin 1; plus strand). Cytogenetic location: 16q22.1.
Variant type: single nucleotide variant.
Coding change: c.86A>T on transcript NM_004360.5 (MANE Select); coding-DNA position 86, A replaced by T.
Protein change: p.His29Leu; replaces histidine 29 with leucine.
Molecular consequence: missense variant. On other transcripts: 5 prime UTR variant (2).
Genome position (GRCh38, 1-based): chr16:68,738,334, A>T. VCF-style: chr16-68738334-A-T. GRCh37 (hg19) VCF-style: chr16-68772237-A-T.
Other names: c.86A>T, p.His29Leu (NM_001317184.2); c.-1530A>T (NM_001317185.2); c.-1734A>T (NM_001317186.2); c.86A>T (NM_004360.3); short protein forms H29L.
Identifiers: ClinVar variation 1366375 (VCV001366375.8), dbSNP rs1555509761, ClinGen allele CA396451842.